The following is an entry in ClinVar:

NM_000384.3(APOB):c.6636TGA[1] (p.Asp2213del)

Gene: APOB (apolipoprotein B; minus strand). Cytogenetic location: 2p24.1.
Variant type: Microsatellite.
Coding change: c.6636TGA[1] on transcript NM_000384.3 (MANE Select); one copy of the 3-base unit TGA starting at c.6636; the reference has two copies in a row; one copy, 3 bases deleted; also written c.6639_6641del.
Protein change: p.Asp2213del; deletes aspartic acid 2213.
Molecular consequence: inframe deletion.
Genome position (GRCh38, 1-based): chr2:21,010,227-21,010,229, TCA deleted on the plus strand (TGA on the coding strand, the reverse complement: APOB is on the minus strand); deleting any 3 consecutive bases within chr2:21,010,227-21,010,232 gives the same sequence; the position shown is the placement nearest the transcript's 3' end. VCF-style (leftmost placement, unchanged base first): chr2-21010226-CTCA-C. GRCh37 (hg19) VCF-style: chr2-21233098-CTCA-C.
Other names: c.6639_6641delTGA (NM_000384.2); c.6639_6641del (NM_000384.3); short protein forms D2213del.
Identifiers: ClinVar variation 180280 (VCV000180280.77), dbSNP rs541497967, ClinGen allele CA022887.

ClinVar aggregate classification (germline): Conflicting classifications of pathogenicity. Review status: criteria provided, conflicting classifications (1 of 4 stars). 19 submissions from 19 submitters: Uncertain significance (3); Benign (8); Likely benign (7). 1 of the submissions does not count toward it. Last evaluated 2026-09-01.

Conditions:
APOB-related disorder. Also called: APOB-related disorders; APOB-related condition.
Cardiovascular phenotype. Identifiers: MedGen CN230736.
Familial hypobetalipoproteinemia 1. Also called: Hypobetalipoproteinemia, normotriglyceridemic; Acanthocytosis with hypobetalipoproteinemia; APOB-Related Familial Hypobetalipoproteinemia. Identifiers: MedGen C4551990, MONDO:0014252, OMIM 615558.
Hypercholesterolemia, autosomal dominant, type B (FHCL2). Also called: Familial hypercholesterolemia 2; HYPERCHOLESTEROLEMIA, FAMILIAL, DUE TO LIGAND-DEFECTIVE APOLIPOPROTEIN B; APOB-Related Familial Hypercholesterolemia, Autosomal Dominant; Familial Hypercholesterolemia Type B; APOLIPOPROTEIN B-100, FAMILIAL DEFECTIVE; APOLIPOPROTEIN B-100, FAMILIAL LIGAND-DEFECTIVE. Identifiers: MedGen C1704417, MONDO:0007751, OMIM 144010.
Familial hypercholesterolemia. Also called: Familial hypercholesterolaemia; Familial hypercholesterolemias. Identifiers: MedGen C0020445, MONDO:0005439.
Hypercholesterolemia, familial, 1. Also called: LDL RECEPTOR DISORDER; Hyperlipoproteinemia Type IIa; HYPER-LOW-DENSITY-LIPOPROTEINEMIA; HYPERCHOLESTEROLEMIC XANTHOMATOSIS, FAMILIAL; Fredrickson type IIa hyperlipoproteinemia; Hyperlipoproteinemia type 2. Identifiers: Orphanet 391665, MedGen C0745103, MONDO:0007750, OMIM 143890.

Submissions (19):

CeGaT Center for Human Genetics Tuebingen
Classification: Likely benign. Last evaluated: 2026-09-01. Review status: criteria provided, single submitter. Criteria: CeGaT Center For Human Genetics Tuebingen Variant Classification Criteria Version 2. Collection method: clinical testing. Allele origin: germline. Affected: yes. Observed: 25 variant alleles.
Comment: APOB: PM4:Supporting, BS2

Labcorp Genetics (formerly Invitae), Labcorp
Classification: Benign for Familial hypobetalipoproteinemia 1; Hypercholesterolemia, autosomal dominant, type B. Last evaluated: 2026-02-04. Review status: criteria provided, single submitter. Criteria: Invitae Variant Classification Sherloc (09022015). Collection method: clinical testing. Allele origin: germline.

Blueprint Genetics
Classification: Likely benign. Last evaluated: 2024-11-20. Review status: criteria provided, single submitter. Criteria: ACMG Guidelines, 2015. Collection method: clinical testing. Allele origin: germline.

Mayo Clinic Laboratories, Mayo Clinic
Classification: Benign. Last evaluated: 2024-05-22. Review status: criteria provided, single submitter. Criteria: ACMG Guidelines, 2015. Collection method: clinical testing. Allele origin: germline. Observed: 5 variant alleles.
Comment: BS1, BS2, BP4

GENinCode PLC
Classification: Benign for Familial hypercholesterolemia. Last evaluated: 2023-12-19. Review status: criteria provided, single submitter. Criteria: ACMG Guidelines, 2015. Collection method: clinical testing. Allele origin: germline.

ARUP Laboratories, Molecular Genetics and Genomics, ARUP Laboratories
Classification: Likely benign. Last evaluated: 2023-09-29. Review status: criteria provided, single submitter. Criteria: ARUP Molecular Germline Variant Investigation Process 2024. Collection method: clinical testing. Allele origin: germline.

GeneDx
Classification: Benign. Last evaluated: 2019-12-31. Review status: criteria provided, single submitter. Criteria: GeneDx Variant Classification Process June 2021. Collection method: clinical testing. Allele origin: germline. Affected: yes.
Comment: This variant is associated with the following publications: (PMID: 27153395, 9050776, 24234650, 23680767, 33111339)

Institute of Human Genetics, University of Leipzig Medical Center
Classification: Likely benign for Hypercholesterolemia, autosomal dominant, type B. Last evaluated: 2019-01-01. Review status: criteria provided, single submitter. Criteria: ACMG Guidelines, 2015. Collection method: clinical testing. Allele origin: unknown. Affected: yes.

Quest Diagnostics Nichols Institute San Juan Capistrano
Classification: Benign. Last evaluated: 2018-12-07. Review status: criteria provided, single submitter. Criteria: Quest Diagnostics criteria. Collection method: clinical testing. Allele origin: unknown.

Color Diagnostics, LLC DBA Color Health
Classification: Benign for Familial hypercholesterolemias. Last evaluated: 2018-03-07. Review status: criteria provided, single submitter. Criteria: ACMG Guidelines, 2015. Collection method: clinical testing. Allele origin: germline.

Robarts Research Institute, Western University
Classification: Likely benign for Hypercholesterolemia, familial, 1. Last evaluated: 2018-01-02. Review status: criteria provided, single submitter. Criteria: ACMG Guidelines, 2015. Collection method: clinical testing. Allele origin: germline. Inheritance: Autosomal dominant inheritance. Affected: yes.

Molecular Diagnostic Laboratory for Inherited Cardiovascular Disease, Montreal Heart Institute
Classification: Likely benign. Last evaluated: 2017-07-06. Review status: criteria provided, single submitter. Criteria: ACMG Guidelines, 2015. Collection method: clinical testing. Allele origin: germline. Affected: yes.

Ambry Genetics
Classification: Benign for Cardiovascular phenotype. Last evaluated: 2017-05-09. Review status: criteria provided, single submitter. Criteria: Ambry Variant Classification Scheme 2023. Collection method: clinical testing. Allele origin: germline.

Laboratory for Molecular Medicine, Mass General Brigham Personalized Medicine
Classification: Benign. Last evaluated: 2016-03-28. Review status: criteria provided, single submitter. Criteria: LMM Criteria. Collection method: clinical testing. Allele origin: germline.
Comment: Variant identified in a genome or exome case(s) and assessed due to predicted null impact of the variant or pathogenic assertions in the literature or databases. Disclaimer: This variant has not undergone full assessment. The following are preliminary notes: ExAC: 1.9% (122/6498) Finnish chromosomes

Cardiovascular Research Group, Instituto Nacional de Saude Doutor Ricardo Jorge
Classification: Uncertain significance for Familial hypercholesterolemia. Last evaluated: 2016-03-01. Review status: criteria provided, single submitter. Criteria: ACMG Guidelines, 2015. Collection method: research. Allele origin: germline. Affected: yes.
Comment: 1/96 normolipidaemic Portuguese controls

Iberoamerican FH Network
Classification: Uncertain significance for Familial hypercholesterolemia. Last evaluated: 2016-03-01. Review status: criteria provided, single submitter. Criteria: ACMG Guidelines, 2015. Collection method: research. Allele origin: germline.
Comment: Variant present in the database from Uruguay

Laboratory of Genetics and Molecular Cardiology, University of São Paulo
Classification: Uncertain significance for Familial hypercholesterolemia. Last evaluated: 2016-03-01. Review status: criteria provided, single submitter. Criteria: ACMG Guidelines, 2015. Collection method: research. Allele origin: germline. Study: HipercolBrasil.

Institute for Integrative and Experimental Genomics, University of Luebeck
Classification: Likely benign for Familial Hypercholesterolemia. Review status: criteria provided, single submitter. Criteria: Submitter's publication. Collection method: research. Allele origin: germline. Inheritance: Autosomal dominant inheritance. Affected: no.

PreventionGenetics, part of Exact Sciences
Classification: Likely benign for APOB-related condition. Last evaluated: 2019-11-14. Review status: no assertion criteria provided. Collection method: clinical testing. Allele origin: germline. Not counted in ClinVar's aggregate classification.
Comment: This variant is classified as likely benign based on ACMG/AMP sequence variant interpretation guidelines (Richards et al. 2015 PMID: 25741868, with internal and published modifications).

Literature cited by the submitters: PubMed 24234650 (cited by Mayo Clinic Laboratories, Mayo Clinic and Quest Diagnostics Nichols Institute San Juan Capistrano); PubMed 27153395 (cited by Mayo Clinic Laboratories, Mayo Clinic and Quest Diagnostics Nichols Institute San Juan Capistrano); PubMed 33111339 (cited by Mayo Clinic Laboratories, Mayo Clinic); PubMed 37937776 (cited by Mayo Clinic Laboratories, Mayo Clinic); PubMed 23680767 (cited by Quest Diagnostics Nichols Institute San Juan Capistrano).